The following is an entry in ClinVar:

NM_032444.4(SLX4):c.2335G>C (p.Val779Leu)

Gene: SLX4 (SLX4 structure-specific endonuclease subunit; minus strand). Cytogenetic location: 16p13.3.
Variant type: single nucleotide variant.
Coding change: c.2335G>C on transcript NM_032444.4 (MANE Select); coding-DNA position 2335, G replaced by C.
Protein change: p.Val779Leu; replaces valine 779 with leucine.
Molecular consequence: missense variant.
Genome position (GRCh38, 1-based): chr16:3,591,303, C>G on the plus strand (G>C on the coding strand, the complement: SLX4 is on the minus strand). VCF-style: chr16-3591303-C-G. GRCh37 (hg19) VCF-style: chr16-3641304-C-G.
Other names: short protein forms V779L.
Identifiers: ClinVar variation 1349721 (VCV001349721.8), dbSNP rs768126392, ClinGen allele CA394524139.
Genomic context (GRCh38, chr16:3,591,303, plus strand): 5'-GTTTGCCCTCTGAGTCAGTGGCAATAGGCACCTGTTCGCACAGGTGAACGAGCTCACTCA[C>G]GCCAAACCTGCAACACGAAACATCGACAGTCATCGCCCCTCTGCGTGGAGATGGGCTCTG-3'
Protein context (NP_115820.2, residues 769-789): ELSSLAHRFG[Val779Leu]SELVHLCEQV

ClinVar aggregate classification (germline): Uncertain significance (1 of 4 stars; one submission).

Conditions:
Fanconi anemia (FA). Also called: Fanconi's anemia. Identifiers: Orphanet 84, MedGen C0015625, MeSH D005199, MONDO:0019391.

Submission:

Labcorp Genetics (formerly Invitae), Labcorp
Classification: Uncertain significance for Fanconi anemia. Last evaluated: 2024-02-08. Review status: criteria provided, single submitter. Criteria: Invitae Variant Classification Sherloc (09022015). Collection method: clinical testing. Allele origin: germline.
Comment: This sequence change replaces valine, which is neutral and non-polar, with leucine, which is neutral and non-polar, at codon 779 of the SLX4 protein (p.Val779Leu). This variant is not present in population databases (gnomAD no frequency). This variant has not been reported in the literature in individuals affected with SLX4-related conditions. ClinVar contains an entry for this variant (Variation ID: 1349721). Algorithms developed to predict the effect of missense changes on protein structure and function output the following: SIFT: "Not Available"; PolyPhen-2: "Possibly Damaging"; Align-GVGD: "Not Available". The leucine amino acid residue is found in multiple mammalian species, which suggests that this missense change does not adversely affect protein function. In summary, the available evidence is currently insufficient to determine the role of this variant in disease. Therefore, it has been classified as a Variant of Uncertain Significance.